The following is an entry in ClinVar:

ClinVar aggregate classification (germline): Likely pathogenic. Review status: criteria provided, single submitter (1 of 4 stars). 2 submissions from 2 submitters: Likely pathogenic (1). 1 of the submissions does not count toward it. Last evaluated 2025-08-05.

Conditions:
Focal epilepsy. Also called: partial epilepsy. Identifiers: MedGen C0014547, MeSH D004828, MONDO:0005384.
Autosomal dominant epilepsy.

Submissions (2):

Unidad de Genómica Garrahan, Hospital de Pediatría Garrahan
Classification: Likely pathogenic for Focal epilepsy. Last evaluated: 2025-08-05. Review status: criteria provided, single submitter. Criteria: ACMG Guidelines, 2015. Collection method: clinical testing. Allele origin: germline. Affected: yes.
Comment: This variant is not present in gnomAD population databases (PM2_sup). Null variant in a gene where loss-of-function is a known mechanism of disease (PVS1_vs).

Rare Disease Center, Seoul National University Hospital
Classification: Likely pathogenic. Last evaluated: 2023-03-23. Review status: no assertion criteria provided. Collection method: research. Allele origin: unknown. Affected: yes. Not counted in ClinVar's aggregate classification.

NM_001242896.3(DEPDC5):c.3805+1G>A

Gene: DEPDC5 (DEP domain containing 5, GATOR1 subcomplex subunit; plus strand). Cytogenetic location: 22q12.3.
Variant type: single nucleotide variant.
Coding change: c.3805+1G>A on transcript NM_001242896.3 (MANE Select); the canonical splice donor site of the intron after coding-DNA position 3805, G replaced by A.
Molecular consequence: splice donor variant.
Genome position (GRCh38, 1-based): chr22:31,876,266, G>A. VCF-style: chr22-31876266-G-A. GRCh37 (hg19) VCF-style: chr22-32272252-G-A.
Other names: c.3805+1G>A (NM_001364318.2); c.3778+1G>A (NM_001136029.4); c.3712+1G>A (NM_014662.6, NM_001369903.1); c.3739+1G>A (NM_001363852.2, NM_001364320.2); c.3571+1G>A (NM_001363854.2, NM_001364319.2); c.3505+1G>A (NM_001242897.2); c.3721+1G>A (NM_001369902.1, NM_001369901.1).
Identifiers: ClinVar variation 2446050 (VCV002446050.2), dbSNP rs2522513585, ClinGen allele CA411279885.
Genomic context (GRCh38, chr22:31,876,266, plus strand): 5'-GGACCTTCATCTACGGCTTCTATTTCTACAAGATAGTAACGGACAAAGAGCCCGACCGAG[G>A]TTAGAGCCGAGGCGAATGCGGTTGCCCACAGGGGCAAGTGTTTTTCCTGGTGACTTGCTC-3'